The following is an entry in ClinVar:

ClinVar aggregate classification (germline): Uncertain significance (1 of 4 stars; one submission).

Conditions:
Retinoblastoma (RB1). Also called: RETINOBLASTOMA, SOMATIC. Identifiers: Orphanet 790, MedGen C0035335, MeSH D012175, MONDO:0008380, OMIM 180200, HP:0009919. Disease mechanism: loss of function. Inheritance: Both sporadic and heritable forms are tested..

Allele frequency attached by ClinVar (database versions not stated): TOPMed 0.00002; gnomAD 0.00001; gnomAD exomes 0.00006.
gnomAD v4.1: 77 of 1,490,654 alleles (0.0052%); highest among the groups gnomAD compares: Admixed American, 0.013%; no homozygotes.

Submission:

Labcorp Genetics (formerly Invitae), Labcorp
Classification: Uncertain significance for Retinoblastoma. Last evaluated: 2025-07-27. Review status: criteria provided, single submitter. Criteria: Invitae Variant Classification Sherloc (09022015). Collection method: clinical testing. Allele origin: germline.
Comment: This variant occurs in a non-coding region of the RB1 gene. It does not change the encoded amino acid sequence of the RB1 protein. This variant is not present in population databases (gnomAD no frequency). This variant has not been reported in the literature in individuals affected with RB1-related conditions. ClinVar contains an entry for this variant (Variation ID: 2889857). In summary, the available evidence is currently insufficient to determine the role of this variant in disease. Therefore, it has been classified as a Variant of Uncertain Significance.

NM_000321.3(RB1):c.-79G>A

Gene: RB1 (RB transcriptional corepressor 1; plus strand). Cytogenetic location: 13q14.2.
Variant type: single nucleotide variant.
Coding change: c.-79G>A on transcript NM_000321.3 (MANE Select); 79 bases upstream of the start codon, G replaced by A.
Molecular consequence: 5 prime UTR variant.
Genome position (GRCh38, 1-based): chr13:48,303,834, G>A. VCF-style: chr13-48303834-G-A. GRCh37 (hg19) VCF-style: chr13-48877970-G-A.
Other names: c.-79G>A (NM_001407165.1, NM_001407166.1, NM_001407167.1).
Identifiers: ClinVar variation 2889857 (VCV002889857.3), dbSNP rs974682571, ClinGen allele CA249842016.